The following is an entry in ClinVar:

NM_022065.5(THADA):c.1051A>G (p.Thr351Ala)

Gene: THADA (THADA armadillo repeat containing; minus strand). Cytogenetic location: 2p21.
Variant type: single nucleotide variant.
Coding change: c.1051A>G on transcript NM_022065.5 (MANE Select); coding-DNA position 1051, A replaced by G.
Protein change: p.Thr351Ala; replaces threonine 351 with alanine.
Molecular consequence: missense variant. On other transcripts: non-coding transcript variant (2).
Genome position (GRCh38, 1-based): chr2:43,575,014, T>C on the plus strand (A>G on the coding strand, the complement: THADA is on the minus strand). VCF-style: chr2-43575014-T-C. GRCh37 (hg19) VCF-style: chr2-43802153-T-C.
Other names: c.1051A>G, p.Thr351Ala (NM_001083953.2, NM_001271643.2, NM_001271644.2 and 2 more transcripts); c.931A>G, p.Thr311Ala (NM_001345924.2); c.181A>G, p.Thr61Ala (NM_198554.1); short protein forms T311A, T351A, T61A.
Identifiers: ClinVar variation 3056572 (VCV003056572.2), dbSNP rs111983293, ClinGen allele CA1633406.

ClinVar aggregate classification (germline): Benign (0 of 4 stars; one submission).

Conditions:
THADA-related disorder. Also called: THADA-related condition.

Allele frequency attached by ClinVar (database versions not stated): gnomAD exomes 0.00129; ExAC 0.00412; ESP Exome Variant Server 0.01129; gnomAD 0.01172; TOPMed 0.01322; 1000 Genomes Project 0.01438; 1000 Genomes Project 30x 0.01655.
gnomAD v4.1: 3,755 of 1,609,674 alleles (0.23%); highest among the groups gnomAD compares: African/African-American, 3.8%; 65 homozygotes.

Submission:

PreventionGenetics, part of Exact Sciences
Classification: Benign for THADA-related condition. Last evaluated: 2019-05-01. Review status: no assertion criteria provided. Collection method: clinical testing. Allele origin: germline.
Comment: This variant is classified as benign based on ACMG/AMP sequence variant interpretation guidelines (Richards et al. 2015 PMID: 25741868, with internal and published modifications).